The following is an entry in ClinVar:

NM_001360016.2(G6PD):c.889G>A (p.Glu297Lys)

Gene: G6PD (glucose-6-phosphate dehydrogenase; minus strand). Cytogenetic location: Xq28.
Variant type: single nucleotide variant.
Coding change: c.889G>A on transcript NM_001360016.2 (MANE Select); coding-DNA position 889, G replaced by A.
Protein change: p.Glu297Lys; replaces glutamic acid 297 with lysine.
Molecular consequence: missense variant.
Genome position (GRCh38, 1-based): chrX:154,533,104, C>T on the plus strand (G>A on the coding strand, the complement: G6PD is on the minus strand). VCF-style: chrX-154533104-C-T. GRCh37 (hg19) VCF-style: chrX-153761319-C-T.
Other names: c.979G>A, p.Glu327Lys (NM_000402.4); c.889G>A, p.Glu297Lys (NM_001042351.3); short protein forms E297K, E327K.
Identifiers: ClinVar variation 618140 (VCV000618140.9), dbSNP rs781975796, ClinGen allele CA10566113.

ClinVar aggregate classification (germline): Uncertain significance. Review status: criteria provided, multiple submitters, no conflicts (2 of 4 stars). 2 submissions from 2 submitters: Uncertain significance (2). Last evaluated 2024-08-12.

Conditions:
Anemia, nonspherocytic hemolytic, due to G6PD deficiency (CNSHA1). Also called: Hemolytic anemia due to G6PD deficiency; ANEMIA, CONGENITAL, NONSPHEROCYTIC HEMOLYTIC, 1; Class I glucose-6-phosphate dehydrogenase deficiency; Favism, susceptibility to. Identifiers: Orphanet 466026, MedGen C2720289, MONDO:0010480, OMIM 300908.

Allele frequency attached by ClinVar (database versions not stated): TOPMed below 0.00001; gnomAD 0.00001; gnomAD exomes 0.00002 and 0.00003; ExAC 0.00005.

Submissions (2):

Labcorp Genetics (formerly Invitae), Labcorp
Classification: Uncertain significance for Anemia, nonspherocytic hemolytic, due to G6PD deficiency. Last evaluated: 2024-08-12. Review status: criteria provided, single submitter. Criteria: Invitae Variant Classification Sherloc (09022015). Collection method: clinical testing. Allele origin: germline.
Comment: This sequence change replaces glutamic acid, which is acidic and polar, with lysine, which is basic and polar, at codon 297 of the G6PD protein (p.Glu297Lys). This variant is present in population databases (rs781975796, gnomAD 0.008%). This variant has not been reported in the literature in individuals affected with G6PD-related conditions. ClinVar contains an entry for this variant (Variation ID: 618140). Advanced modeling of protein sequence and biophysical properties (such as structural, functional, and spatial information, amino acid conservation, physicochemical variation, residue mobility, and thermodynamic stability) has been performed at Invitae for this missense variant, however the output from this modeling did not meet the statistical confidence thresholds required to predict the impact of this variant on G6PD protein function. In summary, the available evidence is currently insufficient to determine the role of this variant in disease. Therefore, it has been classified as a Variant of Uncertain Significance.

ARUP Laboratories, Molecular Genetics and Genomics, ARUP Laboratories
Classification: Uncertain significance. Last evaluated: 2018-01-10. Review status: criteria provided, single submitter. Criteria: ARUP Molecular Germline Variant Investigation Process. Collection method: clinical testing. Allele origin: germline.
Comment: The G6PD c.889G>A; p.Glu297Lys variant (rs781975796) is not reported in the literature or gene-specific variant databases. This variant is observed in the general population with a low overall allele frequency of 0.003% (6/178589 alleles, including 3 hemizygotes) in the Genome Aggregation Database. This is a missense variant in exon 9 and the nucleotide and amino acid are moderately conserved. Computational algorithms (SIFT, PolyPhen2, MutationTaster) predict this variant to be benign. However, missense variants are a common cause for glucose-6-phosphate dehydrogenase deficiency. Due to the limited information regarding p.Glu297Lys, its clinical significance is uncertain at this time.